The following is an entry in ClinVar:

ClinVar aggregate classification (germline): Uncertain significance. Review status: criteria provided, multiple submitters, no conflicts (2 of 4 stars). 2 submissions from 2 submitters: Uncertain significance (2). Last evaluated 2025-08-09.

Conditions:
Renal cell carcinoma. Identifiers: Orphanet 217071, MedGen C0007134, MeSH D002292, MONDO:0005086, HP:0005584.
Hereditary cancer-predisposing syndrome. Also called: Tumor predisposition; Hereditary neoplastic syndrome; Neoplastic Syndromes, Hereditary; Hereditary Cancer Syndrome. Identifiers: Orphanet 140162, MedGen C0027672, MeSH D009386, MONDO:0015356.

Submissions (2):

Labcorp Genetics (formerly Invitae), Labcorp
Classification: Uncertain significance for Renal cell carcinoma. Last evaluated: 2025-08-09. Review status: criteria provided, single submitter. Criteria: Invitae Variant Classification Sherloc (09022015). Collection method: clinical testing. Allele origin: germline.
Comment: This sequence change replaces glutamine, which is neutral and polar, with histidine, which is basic and polar, at codon 524 of the MET protein (p.Gln524His). This variant is not present in population databases (gnomAD no frequency). This variant has not been reported in the literature in individuals affected with MET-related conditions. ClinVar contains an entry for this variant (Variation ID: 1942512). Invitae Evidence Modeling of protein sequence and biophysical properties (such as structural, functional, and spatial information, amino acid conservation, physicochemical variation, residue mobility, and thermodynamic stability) indicates that this missense variant is not expected to disrupt MET protein function with a negative predictive value of 80%. In summary, the available evidence is currently insufficient to determine the role of this variant in disease. Therefore, it has been classified as a Variant of Uncertain Significance.

Ambry Genetics
Classification: Uncertain significance for Hereditary cancer-predisposing syndrome. Last evaluated: 2023-09-10. Review status: criteria provided, single submitter. Criteria: Ambry Variant Classification Scheme 2023. Collection method: clinical testing. Allele origin: germline.
Comment: The p.Q524H variant (also known as c.1572G>C), located in coding exon 4 of the MET gene, results from a G to C substitution at nucleotide position 1572. The glutamine at codon 524 is replaced by histidine, an amino acid with highly similar properties. This amino acid position is conserved. In addition, this alteration is predicted to be tolerated by in silico analysis. Since supporting evidence is limited at this time, the clinical significance of this alteration remains unclear.

NM_000245.4(MET):c.1572G>C (p.Gln524His)

Gene: MET (MET proto-oncogene, receptor tyrosine kinase; plus strand). Cytogenetic location: 7q31.2.
Variant type: single nucleotide variant.
Coding change: c.1572G>C on transcript NM_000245.4 (MANE Select); coding-DNA position 1572, G replaced by C.
Protein change: p.Gln524His; replaces glutamine 524 with histidine.
Molecular consequence: missense variant.
Genome position (GRCh38, 1-based): chr7:116,740,896, G>C. VCF-style: chr7-116740896-G-C. GRCh37 (hg19) VCF-style: chr7-116380950-G-C.
Other names: c.1572G>C, p.Gln524His (NM_001127500.3, NM_001324401.3); c.282G>C, p.Gln94His (NM_001324402.2); short protein forms Q94H, Q524H.
Identifiers: ClinVar variation 1942512 (VCV001942512.7), dbSNP rs201878238, ClinGen allele CA368975183.